The following is an entry in ClinVar:

ClinVar aggregate classification (germline): Uncertain significance (1 of 4 stars; one submission).

Conditions:
3-methylglutaconic aciduria, type VIIB (MGCA7B). Also called: 3-methylglutaconic aciduria with cataracts, neurologic involvement and neutropenia; 3-methylglutaconic aciduria, type VII, with cataracts, neurologic involvement and neutropenia; CLPB Deficiency. Identifiers: Orphanet 445038, MedGen C5676893, MONDO:0014561, OMIM 616271.

gnomAD v4.1: 5 of 1,613,750 alleles (0.00031%); highest among the groups gnomAD compares: Middle Eastern, 0.016%; no homozygotes.

Submission:

Labcorp Genetics (formerly Invitae), Labcorp
Classification: Uncertain significance for 3-methylglutaconic aciduria, type VIIB. Last evaluated: 2025-03-31. Review status: criteria provided, single submitter. Criteria: Invitae Variant Classification Sherloc (09022015). Collection method: clinical testing. Allele origin: germline.
Comment: This sequence change replaces alanine, which is neutral and non-polar, with glycine, which is neutral and non-polar, at codon 360 of the CLPB protein (p.Ala360Gly). This variant is not present in population databases (gnomAD no frequency). This variant has not been reported in the literature in individuals affected with CLPB-related conditions. ClinVar contains an entry for this variant (Variation ID: 1023095). An algorithm developed to predict the effect of missense changes on protein structure and function (PolyPhen-2) suggests that this variant is likely to be disruptive. In summary, the available evidence is currently insufficient to determine the role of this variant in disease. Therefore, it has been classified as a Variant of Uncertain Significance.

NM_001258392.3(CLPB):c.989C>G (p.Ala330Gly)

Gene: CLPB (ClpB family mitochondrial disaggregase; minus strand). Cytogenetic location: 11q13.4.
Variant type: single nucleotide variant.
Coding change: c.989C>G on transcript NM_001258392.3 (MANE Select); coding-DNA position 989, C replaced by G.
Protein change: p.Ala330Gly; replaces alanine 330 with glycine.
Molecular consequence: missense variant.
Genome position (GRCh38, 1-based): chr11:72,308,604, G>C on the plus strand (C>G on the coding strand, the complement: CLPB is on the minus strand). VCF-style: chr11-72308604-G-C. GRCh37 (hg19) VCF-style: chr11-72019648-G-C.
Other names: c.902C>G, p.Ala301Gly (NM_001258393.3); c.944C>G, p.Ala315Gly (NM_001258394.3); c.1079C>G, p.Ala360Gly (NM_030813.6); short protein forms A301G, A315G, A330G, A360G.
Identifiers: ClinVar variation 1023095 (VCV001023095.9), dbSNP rs144942416, ClinGen allele CA224391570.